The following is an entry in ClinVar:

ClinVar aggregate classification (germline): Uncertain significance (1 of 4 stars; one submission).

gnomAD v4.1: 1 of 1,614,124 alleles (0.000062%); no homozygotes.

Submission:

Labcorp Genetics (formerly Invitae), Labcorp
Classification: Uncertain significance. Last evaluated: 2023-12-21. Review status: criteria provided, single submitter. Criteria: Invitae Variant Classification Sherloc (09022015). Collection method: clinical testing. Allele origin: germline.
Comment: This sequence change replaces valine, which is neutral and non-polar, with glycine, which is neutral and non-polar, at codon 95 of the ABCG8 protein (p.Val95Gly). This variant is not present in population databases (gnomAD no frequency). This variant has not been reported in the literature in individuals affected with ABCG8-related conditions. ClinVar contains an entry for this variant (Variation ID: 1476114). Advanced modeling of protein sequence and biophysical properties (such as structural, functional, and spatial information, amino acid conservation, physicochemical variation, residue mobility, and thermodynamic stability) performed at Invitae indicates that this missense variant is expected to disrupt ABCG8 protein function with a positive predictive value of 80%. In summary, the available evidence is currently insufficient to determine the role of this variant in disease. Therefore, it has been classified as a Variant of Uncertain Significance.

NM_022437.3(ABCG8):c.284T>G (p.Val95Gly)

Gene: ABCG8 (ATP binding cassette subfamily G member 8; plus strand). Cytogenetic location: 2p21.
Variant type: single nucleotide variant.
Coding change: c.284T>G on transcript NM_022437.3 (MANE Select); coding-DNA position 284, T replaced by G.
Protein change: p.Val95Gly; replaces valine 95 with glycine.
Molecular consequence: missense variant.
Genome position (GRCh38, 1-based): chr2:43,846,273, T>G. VCF-style: chr2-43846273-T-G. GRCh37 (hg19) VCF-style: chr2-44073412-T-G.
Other names: c.284T>G, p.Val95Gly (NM_001357321.2); short protein forms V95G.
Identifiers: ClinVar variation 1476114 (VCV001476114.6), dbSNP rs2104912533, ClinGen allele CA346663633.